The following is an entry in ClinVar:

ClinVar aggregate classification (germline): Uncertain significance. Review status: criteria provided, multiple submitters, no conflicts (2 of 4 stars). 2 submissions from 2 submitters: Uncertain significance (2). Last evaluated 2024-04-25.

Conditions:
HNSHA due to aldolase A deficiency (GSD12). Also called: Glycogen storage disease due to aldolase A deficiency; RED CELL ALDOLASE DEFICIENCY; GLYCOGEN STORAGE DISEASE XII; GSD XII. Identifiers: Orphanet 57, MedGen C0272066, MONDO:0012747, OMIM 611881.

Allele frequency attached by ClinVar (database versions not stated): gnomAD exomes 0.00001; TOPMed 0.00001; ExAC 0.00002; gnomAD 0.00002; ESP Exome Variant Server 0.00008.
gnomAD v4.1: 19 of 1,614,076 alleles (0.0012%); highest among the groups gnomAD compares: African/African-American, 0.0027%; no homozygotes.

Submissions (2):

Blueprint Genetics
Classification: Uncertain significance. Last evaluated: 2024-04-25. Review status: criteria provided, single submitter. Criteria: ACMG Guidelines, 2015. Collection method: clinical testing. Allele origin: germline.

Labcorp Genetics (formerly Invitae), Labcorp
Classification: Uncertain significance for HNSHA due to aldolase A deficiency. Last evaluated: 2022-06-17. Review status: criteria provided, single submitter. Criteria: Invitae Variant Classification Sherloc (09022015). Collection method: clinical testing. Allele origin: germline.
Comment: This sequence change replaces arginine, which is basic and polar, with cysteine, which is neutral and slightly polar, at codon 134 of the ALDOA protein (p.Arg134Cys). This variant is present in population databases (rs11553113, gnomAD 0.005%). This variant has not been reported in the literature in individuals affected with ALDOA-related conditions. Algorithms developed to predict the effect of missense changes on protein structure and function are either unavailable or do not agree on the potential impact of this missense change (SIFT: "Tolerated"; PolyPhen-2: "Possibly Damaging"; Align-GVGD: "Class C0"). In summary, the available evidence is currently insufficient to determine the role of this variant in disease. Therefore, it has been classified as a Variant of Uncertain Significance.

NM_001243177.4(ALDOA):c.562C>T (p.Arg188Cys)

Genes: ALDOA (aldolase, fructose-bisphosphate A; plus strand), LOC112694756 (uncharaterized LOC112694756; plus strand). Cytogenetic location: 16p11.2.
Variant type: single nucleotide variant.
Coding change: c.562C>T on transcript NM_001243177.4 (MANE Select); coding-DNA position 562, C replaced by T.
Protein change: p.Arg188Cys; replaces arginine 188 with cysteine.
Molecular consequence: missense variant. On other transcripts: 3 prime UTR variant (3).
Genome position (GRCh38, 1-based): chr16:30,068,838, C>T. VCF-style: chr16-30068838-C-T. GRCh37 (hg19) VCF-style: chr16-30080159-C-T.
Other names: c.400C>T, p.Arg134Cys (NM_184041.5, NM_184043.2, NM_001127617.2); c.*909C>T (NM_001365304.2, NM_001365305.2, NM_001365307.2); short protein forms R134C, R188C.
Identifiers: ClinVar variation 2169337 (VCV002169337.2), dbSNP rs11553113, ClinGen allele CA8000990.
Genomic context (GRCh38, chr16:30,068,838, plus strand): 5'-CCCCTCCCCACCGTGCTCTGACCCCTTCCTCTTCTCTTAGGGTTGGATGGGCTGTCTGAG[C>T]GCTGTGCCCAGTACAAGAAGGACGGAGCTGACTTCGCCAAGTGGCGTTGTGTGCTGAAGA-3'
Protein context (NP_001230106.1, residues 178-198): TTQGLDGLSE[Arg188Cys]CAQYKKDGAD